The following is an entry in ClinVar:

ClinVar aggregate classification (germline): Uncertain significance (1 of 4 stars; one submission).

gnomAD v4.1: 1 of 1,613,016 alleles (0.000062%); no homozygotes.

Submission:

Ambry Genetics
Classification: Uncertain significance. Last evaluated: 2026-09-13. Review status: criteria provided, single submitter. Criteria: Ambry Variant Classification Scheme 2023. Collection method: clinical testing. Allele origin: germline.
Comment: The p.S262P variant (also known as c.784T>C), located in coding exon 6 of the RNF43 gene, results from a T to C substitution at nucleotide position 784. The serine at codon 262 is replaced by proline, an amino acid with similar properties. This amino acid position is conserved. In addition, this alteration is predicted to be tolerated by in silico analysis. Based on the available evidence, the clinical significance of this variant remains unclear.

NM_017763.6(RNF43):c.784T>C (p.Ser262Pro)

Gene: RNF43 (ring finger protein 43; minus strand). Cytogenetic location: 17q22.
Variant type: single nucleotide variant.
Coding change: c.784T>C on transcript NM_017763.6 (MANE Select); coding-DNA position 784, T replaced by C.
Protein change: p.Ser262Pro; replaces serine 262 with proline.
Molecular consequence: missense variant.
Genome position (GRCh38, 1-based): chr17:58,360,848, A>G on the plus strand (T>C on the coding strand, the complement: RNF43 is on the minus strand). VCF-style: chr17-58360848-A-G. GRCh37 (hg19) VCF-style: chr17-56438209-A-G.
Other names: c.784T>C, p.Ser262Pro (NM_001305544.3, NM_001438820.1, NM_001438821.1 and 1 more transcripts); c.403T>C, p.Ser135Pro (NM_001305545.2, NM_001437987.1); short protein forms S135P, S262P.
Identifiers: ClinVar variation 5028373 (VCV005028373.1).